The following is an entry in ClinVar:

NM_001018005.2(TPM1):c.311A>G (p.Glu104Gly)

Gene: TPM1 (tropomyosin 1; plus strand). Cytogenetic location: 15q22.2.
Variant type: single nucleotide variant.
Coding change: c.311A>G on transcript NM_001018005.2 (MANE Select); coding-DNA position 311, A replaced by G.
Protein change: p.Glu104Gly; replaces glutamic acid 104 with glycine.
Molecular consequence: missense variant.
Genome position (GRCh38, 1-based): chr15:63,057,055, A>G. VCF-style: chr15-63057055-A-G. GRCh37 (hg19) VCF-style: chr15-63349254-A-G.
Other names: c.311A>G, p.Glu104Gly (NM_000366.6, NM_001018004.2, NM_001018006.2 and 20 more transcripts); c.203A>G, p.Glu68Gly (NM_001018008.2, NM_001301289.2, NM_001330344.2 and 9 more transcripts); c.437A>G, p.Glu146Gly (NM_001365778.1, NM_001407322.1, NM_001407323.1 and 1 more transcripts); short protein forms E104G, E68G, E146G.
Identifiers: ClinVar variation 1727832 (VCV001727832.2), dbSNP rs2542721421, ClinGen allele CA392720969.
Genomic context (GRCh38, chr15:63,057,055, plus strand): 5'-ACGTAGCTTCTCTGAACAGACGCATCCAGCTGGTTGAGGAAGAGTTGGATCGTGCCCAGG[A>G]GCGTCTGGCAACAGCTTTGCAGAAGCTGGAGGAAGCTGAGAAGGCAGCAGATGAGAGTGA-3'
Protein context (NP_001018005.1, residues 94-114): LVEEELDRAQ[Glu104Gly]RLATALQKLE

ClinVar aggregate classification (germline): Uncertain significance (1 of 4 stars; one submission).

Conditions:
Cardiovascular phenotype. Identifiers: MedGen CN230736.

Submission:

Ambry Genetics
Classification: Uncertain significance for Cardiovascular phenotype. Last evaluated: 2018-07-08. Review status: criteria provided, single submitter. Criteria: Ambry Variant Classification Scheme 2023. Collection method: clinical testing. Allele origin: germline.
Comment: The p.E104G variant (also known as c.311A>G), located in coding exon 3 of the TPM1 gene, results from an A to G substitution at nucleotide position 311. The glutamic acid at codon 104 is replaced by glycine, an amino acid with similar properties. This amino acid position is highly conserved in available vertebrate species. In addition, this alteration is predicted to be deleterious by in silico analysis. Since supporting evidence is limited at this time, the clinical significance of this alteration remains unclear.